The following is an entry in ClinVar:

NM_000264.5(PTCH1):c.1855G>C (p.Val619Leu)

Genes: PTCH1 (patched 1; minus strand), LOC100507346 (uncharacterized LOC100507346; plus strand). Cytogenetic location: 9q22.32.
Variant type: single nucleotide variant.
Coding change: c.1855G>C on transcript NM_000264.5 (MANE Select); coding-DNA position 1855, G replaced by C.
Protein change: p.Val619Leu; replaces valine 619 with leucine.
Molecular consequence: missense variant. On other transcripts: non-coding transcript variant (2).
Genome position (GRCh38, 1-based): chr9:95,469,146, C>G on the plus strand (G>C on the coding strand, the complement: PTCH1 is on the minus strand). VCF-style: chr9-95469146-C-G. GRCh37 (hg19) VCF-style: chr9-98231428-C-G.
Other names: c.1657G>C, p.Val553Leu (NM_001083602.3); c.1852G>C, p.Val618Leu (NM_001083603.3); c.1402G>C, p.Val468Leu (NM_001083604.3, NM_001083605.3, NM_001083606.3 and 1 more transcripts); c.1699G>C, p.Val567Leu (NM_001354918.2); short protein forms V468L, V553L, V618L, V567L, V619L.
Identifiers: ClinVar variation 5027557 (VCV005027557.1).
Genomic context (GRCh38, chr9:95,469,146, plus strand): 5'-AGCGGGTATTGTCGTGTGTGTCGGTGTAGGCCTGAGGTTCAACCTGAATCACTCTGCTGA[C>G]GCAGGGGCTGAAAGGAGGGGAAACATGTTGCAATGTTATGCTGAAACAGGGAAATGGTGC-3'
Protein context (NP_000255.2, residues 609-629): DIFCCFTSPC[Val619Leu]SRVIQVEPQA

ClinVar aggregate classification (germline): Uncertain significance (1 of 4 stars; one submission).

Conditions:
Hereditary cancer-predisposing syndrome. Also called: Neoplastic Syndromes, Hereditary; Tumor predisposition; Hereditary neoplastic syndrome; Hereditary Cancer Syndrome. Identifiers: Orphanet 140162, MedGen C0027672, MeSH D009386, MONDO:0015356.

Submission:

Ambry Genetics
Classification: Uncertain significance for Hereditary cancer-predisposing syndrome. Last evaluated: 2026-08-28. Review status: criteria provided, single submitter. Criteria: Ambry Variant Classification Scheme 2023. Collection method: clinical testing. Allele origin: germline.
Comment: The p.V619L variant (also known as c.1855G>C), located in coding exon 14 of the PTCH1 gene, results from a G to C substitution at nucleotide position 1855. The valine at codon 619 is replaced by leucine, an amino acid with highly similar properties. This amino acid position is conserved. In addition, the in silico prediction for this alteration is inconclusive. Based on the available evidence, the clinical significance of this variant remains unclear.